The following is an entry in ClinVar:

ClinVar aggregate classification (germline): Uncertain significance (1 of 4 stars; one submission).

Submission:

GeneDx
Classification: Uncertain significance. Last evaluated: 2025-04-08. Review status: criteria provided, single submitter. Criteria: GeneDx Variant Classification Process June 2021. Collection method: clinical testing. Allele origin: germline. Affected: yes.
Comment: Not observed at significant frequency in large population cohorts (gnomAD); In silico analysis indicates that this missense variant does not alter protein structure/function; Has not been previously published as pathogenic or benign to our knowledge

NM_000552.5(VWF):c.5035A>C (p.Thr1679Pro)

Gene: VWF (von Willebrand factor; minus strand). Cytogenetic location: 12p13.31.
Variant type: single nucleotide variant.
Coding change: c.5035A>C on transcript NM_000552.5 (MANE Select); coding-DNA position 5035, A replaced by C.
Protein change: p.Thr1679Pro; replaces threonine 1679 with proline.
Molecular consequence: missense variant.
Genome position (GRCh38, 1-based): chr12:6,018,383, T>G on the plus strand (A>C on the coding strand, the complement: VWF is on the minus strand). VCF-style: chr12-6018383-T-G. GRCh37 (hg19) VCF-style: chr12-6127549-T-G.
Other names: short protein forms T1679P.
Identifiers: ClinVar variation 4281973 (VCV004281973.1).